The following is an entry in ClinVar:

ClinVar aggregate classification (germline): Uncertain significance. Review status: criteria provided, multiple submitters, no conflicts (2 of 4 stars). 3 submissions from 3 submitters: Uncertain significance (3). Last evaluated 2025-12-01.

Conditions:
REST-related disorder. Also called: REST-related condition.
Inborn genetic diseases. Identifiers: MedGen C0950123, MeSH D030342.

Allele frequency attached by ClinVar (database versions not stated): gnomAD exomes below 0.00001; gnomAD 0.00001.
gnomAD v4.1: 5 of 1,612,964 alleles (0.00031%); highest among the groups gnomAD compares: Middle Eastern, 0.016%; no homozygotes.

Submissions (3):

PreventionGenetics, part of Exact Sciences
Classification: Uncertain significance for REST-related condition. Last evaluated: 2025-12-01. Review status: criteria provided, single submitter. Criteria: ACMG Guidelines, 2015. Collection method: clinical testing. Allele origin: germline.
Comment: The REST c.2024T>C variant is predicted to result in the amino acid substitution p.Met675Thr. To our knowledge, this variant has not been reported in the literature. This variant is reported in 0.0062% of alleles in individuals of African descent in gnomAD. At this time, the clinical significance of this variant is uncertain due to the absence of conclusive functional and genetic evidence.

Ambry Genetics
Classification: Uncertain significance for Inborn genetic diseases. Last evaluated: 2025-06-24. Review status: criteria provided, single submitter. Criteria: Ambry Variant Classification Scheme 2023. Collection method: clinical testing. Allele origin: germline.

Labcorp Genetics (formerly Invitae), Labcorp
Classification: Uncertain significance. Last evaluated: 2025-06-04. Review status: criteria provided, single submitter. Criteria: Invitae Variant Classification Sherloc (09022015). Collection method: clinical testing. Allele origin: germline.
Comment: This sequence change replaces methionine, which is neutral and non-polar, with threonine, which is neutral and polar, at codon 675 of the REST protein (p.Met675Thr). This variant is not present in population databases (gnomAD no frequency). This variant has not been reported in the literature in individuals affected with REST-related conditions. ClinVar contains an entry for this variant (Variation ID: 2169284). An algorithm developed to predict the effect of missense changes on protein structure and function (PolyPhen-2) suggests that this variant is likely to be tolerated. In summary, the available evidence is currently insufficient to determine the role of this variant in disease. Therefore, it has been classified as a Variant of Uncertain Significance.

NM_005612.5(REST):c.2024T>C (p.Met675Thr)

Gene: REST (RE1 silencing transcription factor; plus strand). Cytogenetic location: 4q12.
Variant type: single nucleotide variant.
Coding change: c.2024T>C on transcript NM_005612.5 (MANE Select); coding-DNA position 2024, T replaced by C.
Protein change: p.Met675Thr; replaces methionine 675 with threonine.
Molecular consequence: missense variant.
Genome position (GRCh38, 1-based): chr4:56,930,882, T>C. VCF-style: chr4-56930882-T-C. GRCh37 (hg19) VCF-style: chr4-57797048-T-C.
Other names: c.2024T>C, p.Met675Thr (NM_001193508.2, NM_001363453.3); c.2024T>C (NM_005612.4); short protein forms M675T.
Identifiers: ClinVar variation 2169284 (VCV002169284.6), dbSNP rs908698864, ClinGen allele CA97636780.
Genomic context (GRCh38, chr4:56,930,882, plus strand): 5'-AGGTGGTTCAGGAGGGGCCTGCTCAGAAGGAGCTGCTGCCTCCCGTGGAGCCTGCTCAGA[T>C]GGTGGGTGCCCAAATTGTACTTGCTCACATGGAGCTGCCTCCTCCCATGGAGACTGCTCA-3'
Protein context (NP_005603.3, residues 665-685): ELLPPVEPAQ[Met675Thr]VGAQIVLAHM